The following is an entry in ClinVar:

ClinVar aggregate classification (germline): Uncertain significance (1 of 4 stars; one submission).

Conditions:
Epidermolysis bullosa simplex with nail dystrophy (EBS5D). Identifiers: MedGen C4225309, MONDO:0014661, OMIM 616487.
Epidermolysis bullosa simplex 5B, with muscular dystrophy (EBS5B). Also called: EPIDERMOLYSIS BULLOSA SIMPLEX AND LIMB-GIRDLE MUSCULAR DYSTROPHY; Epidermolysis bullosa simplex with muscular dystrophy. Identifiers: Orphanet 257, MedGen C2931072, MONDO:0009181, OMIM 226670.
Epidermolysis bullosa simplex, Ogna type (EBS5A). Also called: Pidermolysis bullosa simplex 5A, Ogna type; EPIDERMOLYSIS BULLOSA SIMPLEX 5A, OGNA TYPE. Identifiers: Orphanet 79401, MedGen C0432317, MONDO:0007555, OMIM 131950.
Autosomal recessive limb-girdle muscular dystrophy type 2Q (LGMDR17). Also called: MUSCULAR DYSTROPHY, LIMB-GIRDLE, AUTOSOMAL RECESSIVE 17. Identifiers: Orphanet 254361, MedGen C3150989, MONDO:0013390, OMIM 613723.
Epidermolysis bullosa simplex 5C, with pyloric atresia (EBS5C). Also called: Epidermolysis bullosa simplex with pyloric atresia; PLEC-Related Epidermolysis Bullosa with Pyloric Atresia; PLEC1-Related Epidermolysis Bullosa with Pyloric Atresia. Identifiers: Orphanet 158684, MedGen C2677349, MONDO:0012807, OMIM 612138.

Allele frequency attached by ClinVar (database versions not stated): gnomAD exomes 0.00001.
gnomAD v4.1: 7 of 1,540,342 alleles (0.00045%); highest among the groups gnomAD compares: East Asian, 0.012%; no homozygotes.

Submission:

Labcorp Genetics (formerly Invitae), Labcorp
Classification: Uncertain significance for Autosomal recessive limb-girdle muscular dystrophy type 2Q; Epidermolysis bullosa simplex, Ogna type; Epidermolysis bullosa simplex with nail dystrophy; Epidermolysis bullosa simplex 5C, with pyloric atresia; Epidermolysis bullosa simplex 5B, with muscular dystrophy. Last evaluated: 2022-05-30. Review status: criteria provided, single submitter. Criteria: Invitae Variant Classification Sherloc (09022015). Collection method: clinical testing. Allele origin: germline.
Comment: This sequence change replaces histidine, which is basic and polar, with arginine, which is basic and polar, at codon 2587 of the PLEC protein (p.His2587Arg). This variant is not present in population databases (gnomAD no frequency). This variant has not been reported in the literature in individuals affected with PLEC-related conditions. Algorithms developed to predict the effect of missense changes on protein structure and function output the following: SIFT: "Tolerated"; PolyPhen-2: "Benign"; Align-GVGD: "Class C0". The arginine amino acid residue is found in multiple mammalian species, which suggests that this missense change does not adversely affect protein function. In summary, the available evidence is currently insufficient to determine the role of this variant in disease. Therefore, it has been classified as a Variant of Uncertain Significance.

NM_201384.3(PLEC):c.7679A>G (p.His2560Arg)

Gene: PLEC (plectin; minus strand). Cytogenetic location: 8q24.3.
Variant type: single nucleotide variant.
Coding change: c.7679A>G on transcript NM_201384.3 (MANE Select); coding-DNA position 7679, A replaced by G.
Protein change: p.His2560Arg; replaces histidine 2560 with arginine.
Molecular consequence: missense variant.
Genome position (GRCh38, 1-based): chr8:143,922,142, T>C on the plus strand (A>G on the coding strand, the complement: PLEC is on the minus strand). VCF-style: chr8-143922142-T-C. GRCh37 (hg19) VCF-style: chr8-144996310-T-C.
Other names: c.7760A>G, p.His2587Arg (NM_000445.5); c.4379A>G, p.His1460Arg (NM_001410941.1); c.7637A>G, p.His2546Arg (NM_201378.4); c.7613A>G, p.His2538Arg (NM_201379.3); c.8090A>G, p.His2697Arg (NM_201380.4); c.7583A>G, p.His2528Arg (NM_201381.3); c.7679A>G, p.His2560Arg (NM_201382.4); c.7691A>G, p.His2564Arg (NM_201383.3); short protein forms H2564R, H2587R, H1460R, H2528R, H2560R, H2546R, H2538R, H2697R.
Identifiers: ClinVar variation 2153121 (VCV002153121.4), dbSNP rs781902135, ClinGen allele CA4925546.